The following is an entry in ClinVar:

ClinVar aggregate classification (germline): Uncertain significance (1 of 4 stars; one submission).

Conditions:
Renal coloboma syndrome (PAPRS). Also called: PAPILLORENAL SYNDROME; COLOBOMA OF OPTIC NERVE WITH RENAL DISEASE; OPTIC COLOBOMA, VESICOURETERAL REFLUX, AND RENAL ANOMALIES; OPTIC NERVE COLOBOMA WITH RENAL DISEASE; RENAL-COLOBOMA SYNDROME WITH MACULAR ABNORMALITIES; PAPILLORENAL SYNDROME WITH MILD OCULAR ABNORMALITIES. Identifiers: Orphanet 1475, MedGen C1852759, MONDO:0007352, OMIM 120330.
Focal segmental glomerulosclerosis 7 (FSGS7). Identifiers: Orphanet 656, MedGen C4014925, MONDO:0014451, OMIM 616002.

gnomAD v4.1: 6 of 1,611,332 alleles (0.00037%); highest among the groups gnomAD compares: Non-Finnish European, 0.00042%; no homozygotes.

Submission:

Labcorp Genetics (formerly Invitae), Labcorp
Classification: Uncertain significance for Renal coloboma syndrome; Focal segmental glomerulosclerosis 7. Last evaluated: 2024-02-07. Review status: criteria provided, single submitter. Criteria: Invitae Variant Classification Sherloc (09022015). Collection method: clinical testing. Allele origin: germline.
Comment: This sequence change replaces proline, which is neutral and non-polar, with arginine, which is basic and polar, at codon 320 of the PAX2 protein (p.Pro320Arg). This variant is present in population databases (no rsID available, gnomAD no frequency). This variant has not been reported in the literature in individuals affected with PAX2-related conditions. Experimental studies and prediction algorithms are not available or were not evaluated, and the functional significance of this variant is currently unknown. In summary, the available evidence is currently insufficient to determine the role of this variant in disease. Therefore, it has been classified as a Variant of Uncertain Significance.

NM_000278.5(PAX2):c.959C>G (p.Pro320Arg)

Gene: PAX2 (paired box 2; plus strand). Cytogenetic location: 10q24.31.
Variant type: single nucleotide variant.
Coding change: c.959C>G on transcript NM_000278.5 (MANE Select); coding-DNA position 959, C replaced by G.
Protein change: p.Pro320Arg; replaces proline 320 with arginine.
Molecular consequence: missense variant.
Genome position (GRCh38, 1-based): chr10:100,824,687, C>G. VCF-style: chr10-100824687-C-G. GRCh37 (hg19) VCF-style: chr10-102584444-C-G.
Other names: c.1052C>G, p.Pro351Arg (NM_001304569.2); c.1028C>G, p.Pro343Arg (NM_003987.5, NM_003990.5); c.959C>G, p.Pro320Arg (NM_003988.5, NM_003989.5); short protein forms P320R, P343R, P351R.
Identifiers: ClinVar variation 2944069 (VCV002944069.3), dbSNP rs747966683, ClinGen allele CA378259591.